The following is an entry in ClinVar:

NM_001349206.2(LPIN1):c.1475A>G (p.Asp492Gly)

Genes: LPIN1 (lipin 1; plus strand), LOC122756382 (Sharpr-MPRA regulatory region 7856; plus strand). Cytogenetic location: 2p25.1.
Variant type: single nucleotide variant.
Coding change: c.1475A>G on transcript NM_001349206.2 (MANE Select); coding-DNA position 1475, A replaced by G.
Protein change: p.Asp492Gly; replaces aspartic acid 492 with glycine.
Molecular consequence: missense variant. On other transcripts: non-coding transcript variant (1).
Genome position (GRCh38, 1-based): chr2:11,785,002, A>G. VCF-style: chr2-11785002-A-G. GRCh37 (hg19) VCF-style: chr2-11925128-A-G.
Other names: c.1385A>G, p.Asp462Gly (NM_001261427.3); c.1622A>G, p.Asp541Gly (NM_001261428.3); c.1367A>G, p.Asp456Gly (NM_001349199.2, NM_001349200.2, NM_001349201.2 and 1 more transcripts); c.1472A>G, p.Asp491Gly (NM_001349202.2, NM_001349203.2); c.1475A>G, p.Asp492Gly (NM_001349204.2, NM_001349205.2); c.1565A>G, p.Asp522Gly (NM_001349207.2); c.1514A>G, p.Asp505Gly (NM_001349208.2); short protein forms D505G, D462G, D456G, D491G, D492G, D522G, D541G.
Identifiers: ClinVar variation 1441012 (VCV001441012.4), dbSNP rs190743128, ClinGen allele CA1533720.

ClinVar aggregate classification (germline): Uncertain significance. Review status: criteria provided, multiple submitters, no conflicts (2 of 4 stars). 2 submissions from 2 submitters: Uncertain significance (2). Last evaluated 2022-05-02.

Conditions:
Myoglobinuria, acute recurrent, autosomal recessive. Also called: RHABDOMYOLYSIS, ACUTE RECURRENT; MYOGLOBINURIA, FAMILIAL PAROXYSMAL PARALYTIC; Myoglobinuria, recurrent, autosomal recessive. Identifiers: Orphanet 99845, MedGen C1849386, MONDO:0009992, OMIM 268200.

Allele frequency attached by ClinVar (database versions not stated): gnomAD 0.00004 and 0.00007; gnomAD exomes 0.00004 and 0.00013; TOPMed 0.00008; ExAC 0.00013; 1000 Genomes Project 30x 0.00047; 1000 Genomes Project 0.00060.
gnomAD v4.1: 69 of 1,613,084 alleles (0.0043%); highest among the groups gnomAD compares: East Asian, 0.14%; 1 homozygote.

Submissions (2):

Labcorp Genetics (formerly Invitae), Labcorp
Classification: Uncertain significance. Last evaluated: 2022-05-02. Review status: criteria provided, single submitter. Criteria: Invitae Variant Classification Sherloc (09022015). Collection method: clinical testing. Allele origin: germline.
Comment: This sequence change replaces aspartic acid, which is acidic and polar, with glycine, which is neutral and non-polar, at codon 456 of the LPIN1 protein (p.Asp456Gly). This variant is present in population databases (rs190743128, gnomAD 0.2%). This missense change has been observed in individual(s) with dyslipidemia (PMID: 32041611). Algorithms developed to predict the effect of missense changes on protein structure and function are either unavailable or do not agree on the potential impact of this missense change (SIFT: "Tolerated"; PolyPhen-2: "Possibly Damaging"; Align-GVGD: "Class C0"). In summary, the available evidence is currently insufficient to determine the role of this variant in disease. Therefore, it has been classified as a Variant of Uncertain Significance.

Fulgent Genetics
Classification: Uncertain significance for Myoglobinuria, acute recurrent, autosomal recessive. Last evaluated: 2021-11-04. Review status: criteria provided, single submitter. Criteria: ACMG Guidelines, 2015. Collection method: clinical testing. Allele origin: unknown.

Literature cited by the submitters: PubMed 32041611 (cited by Labcorp Genetics (formerly Invitae), Labcorp).